The following is an entry in ClinVar:

NM_000183.3(HADHB):c.1063C>A (p.Pro355Thr)

Gene: HADHB (hydroxyacyl-CoA dehydrogenase trifunctional multienzyme complex subunit beta; plus strand). Cytogenetic location: 2p23.3.
Variant type: single nucleotide variant.
Coding change: c.1063C>A on transcript NM_000183.3 (MANE Select); coding-DNA position 1063, C replaced by A.
Protein change: p.Pro355Thr; replaces proline 355 with threonine.
Molecular consequence: missense variant.
Genome position (GRCh38, 1-based): chr2:26,284,118, C>A. VCF-style: chr2-26284118-C-A. GRCh37 (hg19) VCF-style: chr2-26506986-C-A.
Other names: c.1018C>A, p.Pro340Thr (NM_001281512.2); c.997C>A, p.Pro333Thr (NM_001281513.2); short protein forms P333T, P340T, P355T.
Identifiers: ClinVar variation 1698901 (VCV001698901.2), dbSNP rs1370999216, ClinGen allele CA346095495.

ClinVar aggregate classification (germline): Likely pathogenic (1 of 4 stars; one submission).

Conditions:
Mitochondrial trifunctional protein deficiency. Identifiers: Orphanet 746, MedGen C1969443, MONDO:0012172.

Submission:

Genetics and Molecular Pathology, SA Pathology
Classification: Likely pathogenic for Mitochondrial trifunctional protein deficiency 1. Last evaluated: 2021-07-07. Review status: criteria provided, single submitter. Criteria: ACMG Guidelines, 2015. Collection method: clinical testing. Allele origin: germline. Affected: yes.
Comment: The HADHB c.1063C>A variant is classified as Likely Pathogenic (PS2, PM2, PP3) The HADHB c.1063C>A variant is a single nucleotide change in the HADHB gene, which is predicted to change the amino acid proline at position 355 in the protein to threonine. This variant is absent from population databases (PM2). Computational predictions support a deleterious effect on the gene or gene product (PP3).